The following is an entry in ClinVar:

ClinVar aggregate classification (germline): Uncertain significance (1 of 4 stars; one submission).

Conditions:
Mowat-Wilson syndrome (MOWS). Also called: Classic Mowat-Wilson Syndrome. Identifiers: Orphanet 2152, MedGen C1856113, MONDO:0009341, OMIM 235730.

Submission:

Labcorp Genetics (formerly Invitae), Labcorp
Classification: Uncertain significance for Mowat-Wilson syndrome. Last evaluated: 2021-09-24. Review status: criteria provided, single submitter. Criteria: Invitae Variant Classification Sherloc (09022015). Collection method: clinical testing. Allele origin: germline.
Comment: In summary, the available evidence is currently insufficient to determine the role of this variant in disease. Therefore, it has been classified as a Variant of Uncertain Significance. Algorithms developed to predict the effect of missense changes on protein structure and function are either unavailable or do not agree on the potential impact of this missense change (SIFT: "Tolerated"; PolyPhen-2: "Probably Damaging"; Align-GVGD: "Class C0"). This variant has not been reported in the literature in individuals affected with ZEB2-related conditions. This variant is not present in population databases (ExAC no frequency). This sequence change replaces leucine with glutamine at codon 932 of the ZEB2 protein (p.Leu932Gln). The leucine residue is highly conserved and there is a moderate physicochemical difference between leucine and glutamine.

NM_014795.4(ZEB2):c.2795T>A (p.Leu932Gln)

Gene: ZEB2 (zinc finger E-box binding homeobox 2; minus strand). Cytogenetic location: 2q22.3.
Variant type: single nucleotide variant.
Coding change: c.2795T>A on transcript NM_014795.4 (MANE Select); coding-DNA position 2795, T replaced by A.
Protein change: p.Leu932Gln; replaces leucine 932 with glutamine.
Molecular consequence: missense variant.
Genome position (GRCh38, 1-based): chr2:144,398,392, A>T on the plus strand (T>A on the coding strand, the complement: ZEB2 is on the minus strand). VCF-style: chr2-144398392-A-T. GRCh37 (hg19) VCF-style: chr2-145155959-A-T.
Other names: c.2723T>A, p.Leu908Gln (NM_001171653.2); short protein forms L908Q, L932Q.
Identifiers: ClinVar variation 1491985 (VCV001491985.6), dbSNP rs2149876374, ClinGen allele CA348706906.